The following is an entry in ClinVar:

ClinVar aggregate classification (germline): Uncertain significance (1 of 4 stars; one submission).

Conditions:
Hypogonadotropic hypogonadism 2 with or without anosmia (HH2). Also called: FGFR1-Related GnRH Deficiency (Kallmann Syndrome 2); HYPOGONADOTROPIC HYPOGONADISM 2 WITH OR WITHOUT ANOSMIA, SUSCEPTIBILITY TO; HYPOGONADOTROPIC HYPOGONADISM 2 WITHOUT ANOSMIA, SUSCEPTIBILITY TO; HYPOGONADOTROPIC HYPOGONADISM 2 WITHOUT ANOSMIA. Identifiers: Orphanet 478, MedGen C1563720, MONDO:0007844, OMIM 147950. Disease mechanism: loss of function.
Pfeiffer syndrome (ACS5). Also called: ACS V. Identifiers: Orphanet 710, MedGen C0220658, MONDO:0007043, OMIM 101600.

Submission:

Labcorp Genetics (formerly Invitae), Labcorp
Classification: Uncertain significance for Pfeiffer syndrome; Hypogonadotropic hypogonadism 2 with or without anosmia. Last evaluated: 2023-03-25. Review status: criteria provided, single submitter. Criteria: Invitae Variant Classification Sherloc (09022015). Collection method: clinical testing. Allele origin: germline.
Comment: In summary, the available evidence is currently insufficient to determine the role of this variant in disease. Therefore, it has been classified as a Variant of Uncertain Significance. Advanced modeling of protein sequence and biophysical properties (such as structural, functional, and spatial information, amino acid conservation, physicochemical variation, residue mobility, and thermodynamic stability) has been performed at Invitae for this missense variant, however the output from this modeling did not meet the statistical confidence thresholds required to predict the impact of this variant on FGFR1 protein function. This variant has not been reported in the literature in individuals affected with FGFR1-related conditions. This variant is not present in population databases (gnomAD no frequency). This sequence change replaces lysine, which is basic and polar, with glutamic acid, which is acidic and polar, at codon 175 of the FGFR1 protein (p.Lys175Glu).

NM_023110.3(FGFR1):c.523A>G (p.Lys175Glu)

Gene: FGFR1 (fibroblast growth factor receptor 1; minus strand). Cytogenetic location: 8p11.23.
Variant type: single nucleotide variant.
Coding change: c.523A>G on transcript NM_023110.3 (MANE Select); coding-DNA position 523, A replaced by G.
Protein change: p.Lys175Glu; replaces lysine 175 with glutamic acid.
Molecular consequence: missense variant.
Genome position (GRCh38, 1-based): chr8:38,428,019, T>C on the plus strand (A>G on the coding strand, the complement: FGFR1 is on the minus strand). VCF-style: chr8-38428019-T-C. GRCh37 (hg19) VCF-style: chr8-38285537-T-C.
Other names: c.523A>G, p.Lys175Glu (NM_000604.2, NM_001174063.2); c.499A>G, p.Lys167Glu (NM_001174064.2); c.517A>G, p.Lys173Glu (NM_001174065.2, NM_001354367.2, NM_001354369.2 and 2 more transcripts); c.256A>G, p.Lys86Glu (NM_001174066.2, NM_023105.3); c.616A>G, p.Lys206Glu (NM_001174067.2); c.250A>G, p.Lys84Glu (NM_001354368.2, NM_001354370.2, NM_023106.3); short protein forms K206E, K86E, K167E, K173E, K84E, K175E.
Identifiers: ClinVar variation 2945761 (VCV002945761.3), dbSNP rs2150915367, ClinGen allele CA370735721.